The following is an entry in ClinVar:

ClinVar aggregate classification (germline): Uncertain significance (1 of 4 stars; one submission).

Conditions:
PHF3-related disorder. Also called: PHF3-related condition.

Allele frequency attached by ClinVar (database versions not stated): TOPMed below 0.00001; gnomAD 0.00001; gnomAD exomes 0.00001.
gnomAD v4.1: 13 of 1,613,642 alleles (0.00081%); highest among the groups gnomAD compares: Non-Finnish European, 0.0011%; no homozygotes.

Submission:

PreventionGenetics, part of Exact Sciences
Classification: Uncertain significance for PHF3-related condition. Last evaluated: 2023-03-07. Review status: criteria provided, single submitter. Criteria: ACMG Guidelines, 2015. Collection method: clinical testing. Allele origin: germline.
Comment: The PHF3 c.4429A>G variant is predicted to result in the amino acid substitution p.Thr1477Ala. To our knowledge, this variant has not been reported in the literature or in a large population database, indicating this variant is rare. At this time, the clinical significance of this variant is uncertain due to the absence of conclusive functional and genetic evidence.

NM_001370348.2(PHF3):c.4429A>G (p.Thr1477Ala)

Gene: PHF3 (PHD finger protein 3; plus strand). Cytogenetic location: 6q12.
Variant type: single nucleotide variant.
Coding change: c.4429A>G on transcript NM_001370348.2 (MANE Select); coding-DNA position 4429, A replaced by G.
Protein change: p.Thr1477Ala; replaces threonine 1477 with alanine.
Molecular consequence: missense variant.
Genome position (GRCh38, 1-based): chr6:63,712,017, A>G. VCF-style: chr6-63712017-A-G. GRCh37 (hg19) VCF-style: chr6-64421913-A-G.
Other names: c.4165A>G, p.Thr1389Ala (NM_001290259.2, NM_001370349.2); c.2236A>G, p.Thr746Ala (NM_001370350.2); c.4429A>G, p.Thr1477Ala (NM_015153.4); short protein forms T1389A, T1477A, T746A.
Identifiers: ClinVar variation 2628715 (VCV002628715.1), dbSNP rs1054250508, ClinGen allele CA139846658.